The following is an entry in ClinVar:

ClinVar aggregate classification (germline): Likely pathogenic (1 of 4 stars; one submission).

Conditions:
Vanishing white matter disease. Also called: Childhood ataxia with diffuse central nervous system hypomyelination; Leukoencephalopathy with vanishing white matter; CACH/VWM syndrome; Cree leukoencehalopathy; CACH syndrome. Identifiers: Orphanet 135, Orphanet 99853, MedGen C1858991, MONDO:0800448.

Submission:

Women's Health and Genetics/Laboratory Corporation of America, LabCorp
Classification: Likely pathogenic for Vanishing white matter disease. Last evaluated: 2023-08-21. Review status: criteria provided, single submitter. Criteria: LabCorp Variant Classification Summary - May 2015. Collection method: clinical testing. Allele origin: germline.
Comment: Variant summary: EIF2B4 c.495+2_495+5delTAGG is located in a canonical splice-site and is predicted to affect mRNA splicing resulting in a significantly altered protein due to either exon skipping, shortening, or inclusion of intronic material. Several computational tools predict a significant impact on normal splicing: Four predict the variant abolishes a 5' splicing donor site. However, these predictions have yet to be confirmed by functional studies. The variant was absent in 251368 control chromosomes. To our knowledge, no occurrence of c.495+2_495+5delTAGG in individuals affected with Leukoencephalopathy With Vanishing White Matter and no experimental evidence demonstrating its impact on protein function have been reported. No submitters have cited clinical-significance assessments for this variant to ClinVar after 2014. Based on the evidence outlined above, the variant was classified as likely pathogenic.

NM_001034116.2(EIF2B4):c.498+2_498+5del

Gene: EIF2B4 (eukaryotic translation initiation factor 2B subunit delta; minus strand). Cytogenetic location: 2p23.3.
Variant type: Deletion.
Coding change: c.498+2_498+5del on transcript NM_001034116.2 (MANE Select); the canonical splice donor site of the intron after coding-DNA position 498 through 5 bases into the intron after coding-DNA position 498, 4 bases deleted (TAGG; older notation c.498+2_498+5delTAGG).
Molecular consequence: splice donor variant.
Genome position (GRCh38, 1-based): chr2:27,368,649-27,368,652, CCTA deleted on the plus strand (TAGG on the coding strand, the reverse complement: EIF2B4 is on the minus strand); deleting any 4 consecutive bases within chr2:27,368,649-27,368,655 gives the same sequence; the c. name uses the placement nearest the transcript's 3' end. VCF-style (leftmost placement, unchanged base first): chr2-27368648-TCCTA-T. GRCh37 (hg19) VCF-style: chr2-27591515-TCCTA-T.
Other names: c.405+2_405+5del (NM_001318967.2); c.495+2_495+5del (NM_015636.4); c.-95+2_-95+5del (NM_001318969.2); c.453+2_453+5del (NM_001318966.2); c.558+2_558+5del (NM_172195.4); c.-88+2_-88+5del (NM_001318968.2); c.561+2_561+5del (NM_001318965.2).
Identifiers: ClinVar variation 2581282 (VCV002581282.1), dbSNP rs2465519163, ClinGen allele CA2582342358.